The following is an entry in ClinVar:

ClinVar aggregate classification (germline): Uncertain significance (1 of 4 stars; one submission).

Submission:

Labcorp Genetics (formerly Invitae), Labcorp
Classification: Uncertain significance. Last evaluated: 2025-10-17. Review status: criteria provided, single submitter. Criteria: Invitae Variant Classification Sherloc (09022015). Collection method: clinical testing. Allele origin: germline.
Comment: This sequence change replaces leucine, which is neutral and non-polar, with valine, which is neutral and non-polar, at codon 602 of the USP7 protein (p.Leu602Val). This variant is not present in population databases (gnomAD no frequency). This variant has not been reported in the literature in individuals affected with USP7-related conditions. An algorithm developed to predict the effect of missense changes on protein structure and function (PolyPhen-2) suggests that this variant is likely to be tolerated. In summary, the available evidence is currently insufficient to determine the role of this variant in disease. Therefore, it has been classified as a Variant of Uncertain Significance.

NM_003470.3(USP7):c.1804C>G (p.Leu602Val)

Gene: USP7 (ubiquitin specific peptidase 7; minus strand). Cytogenetic location: 16p13.2.
Variant type: single nucleotide variant.
Coding change: c.1804C>G on transcript NM_003470.3 (MANE Select); coding-DNA position 1804, C replaced by G.
Protein change: p.Leu602Val; replaces leucine 602 with valine.
Molecular consequence: missense variant. On other transcripts: non-coding transcript variant (1).
Genome position (GRCh38, 1-based): chr16:8,903,303, G>C on the plus strand (C>G on the coding strand, the complement: USP7 is on the minus strand). VCF-style: chr16-8903303-G-C. GRCh37 (hg19) VCF-style: chr16-8997160-G-C.
Other names: c.1756C>G, p.Leu586Val (NM_001286457.2); c.1507C>G, p.Leu503Val (NM_001286458.2); c.1630C>G, p.Leu544Val (NM_001321858.2); short protein forms L602V, L503V, L544V, L586V.
Identifiers: ClinVar variation 4729414 (VCV004729414.1).